The following is an entry in ClinVar:

NM_000257.4(MYH7):c.644C>T (p.Thr215Ile)

Gene: MYH7 (myosin heavy chain 7; minus strand). Cytogenetic location: 14q11.2.
Variant type: single nucleotide variant.
Coding change: c.644C>T on transcript NM_000257.4 (MANE Select); coding-DNA position 644, C replaced by T.
Protein change: p.Thr215Ile; replaces threonine 215 with isoleucine.
Molecular consequence: missense variant.
Genome position (GRCh38, 1-based): chr14:23,431,673, G>A on the plus strand (C>T on the coding strand, the complement: MYH7 is on the minus strand). VCF-style: chr14-23431673-G-A. GRCh37 (hg19) VCF-style: chr14-23900882-G-A.
Other names: short protein forms T215I.
Identifiers: ClinVar variation 837897 (VCV000837897.14), dbSNP rs1892948780, ClinGen allele CA389052345.

ClinVar aggregate classification (germline): Likely pathogenic. Review status: criteria provided, multiple submitters, no conflicts (2 of 4 stars). 2 submissions from 2 submitters: Likely pathogenic (2). Last evaluated 2023-08-04.

Conditions:
Primary dilated cardiomyopathy (DCM). Also called: Dilated Cardiomyopathy. Identifiers: Orphanet 217604, MedGen C0007193, MeSH D002311, MONDO:0005021, HP:0001644. Inheritance: Various modes of inheritance.
Myocarditis. Identifiers: MedGen C0027059, MONDO:0004496, HP:0012819.
Hypertrophic cardiomyopathy. Also called: HYPERTROPHIC MYOCARDIOPATHY. Identifiers: Orphanet 217569, MedGen C0007194, MeSH D002312, MONDO:0005045, HP:0001639.

Submissions (2):

Labcorp Genetics (formerly Invitae), Labcorp
Classification: Likely pathogenic for Hypertrophic cardiomyopathy. Last evaluated: 2023-08-04. Review status: criteria provided, single submitter. Criteria: Invitae Variant Classification Sherloc (09022015). Collection method: clinical testing. Allele origin: germline.
Comment: In summary, the currently available evidence indicates that the variant is pathogenic, but additional data are needed to prove that conclusively. Therefore, this variant has been classified as Likely Pathogenic. This variant is found within a region of MYH7 between codons 181 and 937 that contains the majority of the myosin head domain. Missense variants in this region have been shown to be significantly overrepresented in individuals with hypertrophic cardiomyopathy (PMID: 27532257). Advanced modeling of protein sequence and biophysical properties (such as structural, functional, and spatial information, amino acid conservation, physicochemical variation, residue mobility, and thermodynamic stability) performed at Invitae indicates that this missense variant is expected to disrupt MYH7 protein function. ClinVar contains an entry for this variant (Variation ID: 837897). This missense change has been observed in individual(s) with clinical features of MYH7-related conditions (PMID: 21520333, 34213952). This variant is not present in population databases (gnomAD no frequency). This sequence change replaces threonine, which is neutral and polar, with isoleucine, which is neutral and non-polar, at codon 215 of the MYH7 protein (p.Thr215Ile).

Klaassen Lab, Charite University Medicine Berlin
Classification: Likely pathogenic for Myocarditis; Primary dilated cardiomyopathy. Review status: criteria provided, single submitter. Criteria: ACMG Guidelines, 2015. Collection method: research. Allele origin: germline. Affected: yes.

Literature cited by the submitters: PubMed 27532257 (cited by Labcorp Genetics (formerly Invitae), Labcorp); PubMed 21520333 (cited by Labcorp Genetics (formerly Invitae), Labcorp); PubMed 34213952 (cited by Labcorp Genetics (formerly Invitae), Labcorp and Klaassen Lab, Charite University Medicine Berlin).